The following is an entry in ClinVar:

ClinVar aggregate classification (germline): Uncertain significance. Review status: criteria provided, multiple submitters, no conflicts (2 of 4 stars). 4 submissions from 4 submitters: Uncertain significance (4). Last evaluated 2026-01-11.

Conditions:
CTNNA1-related disorder. Also called: CTNNA1-related condition.
Hereditary cancer-predisposing syndrome. Also called: Neoplastic Syndromes, Hereditary; Hereditary Cancer Syndrome; Tumor predisposition; Hereditary neoplastic syndrome. Identifiers: Orphanet 140162, MedGen C0027672, MeSH D009386, MONDO:0015356.

Allele frequency attached by ClinVar (database versions not stated): gnomAD 0.00001; gnomAD exomes 0.00001; ExAC 0.00002; TOPMed 0.00002.
gnomAD v4.1: 11 of 1,612,016 alleles (0.00068%); highest among the groups gnomAD compares: African/African-American, 0.0027%; 1 homozygote.

Submissions (4):

Labcorp Genetics (formerly Invitae), Labcorp
Classification: Uncertain significance. Last evaluated: 2026-01-11. Review status: criteria provided, single submitter. Criteria: Invitae Variant Classification Sherloc (09022015). Collection method: clinical testing. Allele origin: germline.
Comment: This sequence change replaces valine, which is neutral and non-polar, with isoleucine, which is neutral and non-polar, at codon 656 of the CTNNA1 protein (p.Val656Ile). This variant is present in population databases (rs564390551, gnomAD 0.003%). This variant has not been reported in the literature in individuals affected with CTNNA1-related conditions. ClinVar contains an entry for this variant (Variation ID: 820437). An algorithm developed to predict the effect of missense changes on protein structure and function outputs the following: PolyPhen-2: "Benign". The isoleucine amino acid residue is found in multiple mammalian species, which suggests that this missense change does not adversely affect protein function. In summary, the available evidence is currently insufficient to determine the role of this variant in disease. Therefore, it has been classified as a Variant of Uncertain Significance.

PreventionGenetics, part of Exact Sciences
Classification: Uncertain significance for CTNNA1-related condition. Last evaluated: 2026-01-02. Review status: criteria provided, single submitter. Criteria: ACMG Guidelines, 2015. Collection method: clinical testing. Allele origin: germline.
Comment: The CTNNA1 c.1966G>A variant is predicted to result in the amino acid substitution p.Val656Ile. This variant was reported as a variant of uncertain significance in individuals with gastric and/or breast cancer (Supplemental Table 1, Clark et al. 2020. PubMed ID: 32051609). This variant is reported in 0.0026% of alleles in individuals of European (Non-Finnish) descent in gnomAD and has been interpreted as a variant of uncertain significance in ClinVar (Variation ID: 820437). At this time, the clinical significance of this variant is uncertain due to the absence of conclusive functional and genetic evidence.

Ambry Genetics
Classification: Uncertain significance for Hereditary cancer-predisposing syndrome. Last evaluated: 2025-10-17. Review status: criteria provided, single submitter. Criteria: Ambry Variant Classification Scheme 2023. Collection method: clinical testing. Allele origin: germline.

Center for Genomic Medicine, Rigshospitalet, Copenhagen University Hospital
Classification: Uncertain significance. Last evaluated: 2025-03-04. Review status: criteria provided, single submitter. Criteria: ACMG Guidelines, 2015. Collection method: clinical testing. Allele origin: germline.

NM_001903.5(CTNNA1):c.1966G>A (p.Val656Ile)

Gene: CTNNA1 (catenin alpha 1; plus strand). Cytogenetic location: 5q31.2.
Variant type: single nucleotide variant.
Coding change: c.1966G>A on transcript NM_001903.5 (MANE Select); coding-DNA position 1966, G replaced by A.
Protein change: p.Val656Ile; replaces valine 656 with isoleucine.
Molecular consequence: missense variant.
Genome position (GRCh38, 1-based): chr5:138,929,312, G>A. VCF-style: chr5-138929312-G-A. GRCh37 (hg19) VCF-style: chr5-138265001-G-A.
Other names: c.856G>A, p.Val286Ile (NM_001323988.1, NM_001323989.1, NM_001323990.1 and 17 more transcripts); c.1966G>A, p.Val656Ile (NM_001290307.3, NM_001323982.2, NM_001323983.1 and 2 more transcripts); c.1657G>A, p.Val553Ile (NM_001290309.3); c.1597G>A, p.Val533Ile (NM_001290310.3); c.1873G>A, p.Val625Ile (NM_001323986.2); c.517G>A, p.Val173Ile (NM_001324006.1, NM_001324007.1, NM_001324008.1 and 2 more transcripts); c.763G>A, p.Val255Ile (NM_001324011.1); c.613G>A, p.Val205Ile (NM_001324012.1, NM_001324013.1); and 1 more; short protein forms V255I, V286I, V533I, V656I, V553I, V205I, V625I, V173I.
Identifiers: ClinVar variation 820437 (VCV000820437.17), dbSNP rs564390551, ClinGen allele CA3432077.
Genomic context (GRCh38, chr5:138,929,312, plus strand): 5'-GAGGAGTTGGATGACTCTGACTTTGAGACAGAAGATTTTGATGTCAGAAGCAGGACGAGC[G>A]TCCAGACAGAAGACGATCAGCTGATAGCTGGCCAGAGTGCCCGGGTAAGGAAGCGCTCCG-3'
Protein context (NP_001894.2, residues 646-666): EDFDVRSRTS[Val656Ile]QTEDDQLIAG